The following is an entry in ClinVar:

NM_004977.3(KCNC3):c.1694G>C (p.Arg565Pro)

Gene: KCNC3 (potassium voltage-gated channel subfamily C member 3; minus strand). Cytogenetic location: 19q13.33.
Variant type: single nucleotide variant.
Coding change: c.1694G>C on transcript NM_004977.3 (MANE Select); coding-DNA position 1694, G replaced by C.
Protein change: p.Arg565Pro; replaces arginine 565 with proline.
Molecular consequence: missense variant.
Genome position (GRCh38, 1-based): chr19:50,323,259, C>G on the plus strand (G>C on the coding strand, the complement: KCNC3 is on the minus strand). VCF-style: chr19-50323259-C-G. GRCh37 (hg19) VCF-style: chr19-50826516-C-G.
Other names: c.1466G>C, p.Arg489Pro (NM_001372305.1); short protein forms R489P, R565P.
Identifiers: ClinVar variation 1698165 (VCV001698165.2), dbSNP rs765155263, ClinGen allele CA406950313.

ClinVar aggregate classification (germline): Uncertain significance (1 of 4 stars; one submission).

gnomAD v4.1: 1 of 1,603,438 alleles (0.000062%); highest among the groups gnomAD compares: South Asian, 0.0011%; no homozygotes.

Submission:

GeneDx
Classification: Uncertain significance. Last evaluated: 2022-01-20. Review status: criteria provided, single submitter. Criteria: GeneDx Variant Classification Process June 2021. Collection method: clinical testing. Allele origin: germline. Affected: yes.
Comment: Not observed at significant frequency in large population cohorts (gnomAD); In silico analysis supports that this missense variant has a deleterious effect on protein structure/function; Has not been previously published as pathogenic or benign to our knowledge